The following is an entry in ClinVar:

ClinVar aggregate classification (germline): Pathogenic. Review status: reviewed by expert panel (3 of 4 stars). 3 submissions from 3 submitters: Pathogenic (1). 2 of the submissions do not count toward it. Last evaluated 2016-10-18.

Conditions:
Hereditary breast ovarian cancer syndrome. Also called: Hereditary breast and ovarian cancer syndrome; Hereditary breast and ovarian cancer; Hereditary breast and ovarian cancer syndrome (HBOC); Breast and ovarian cancer; Hereditary breast and/or ovarian cancer syndrome; BRCA1- and BRCA2-Associated Hereditary Breast and Ovarian Cancer. Identifiers: Orphanet 145, MedGen C0677776, MeSH D061325, MONDO:0003582. Disease mechanism: loss of function.
Breast-ovarian cancer, familial, susceptibility to, 2 (BROVCA2). Also called: BRCA2 Hereditary Breast and Ovarian Cancer. Identifiers: Orphanet 145, MedGen C2675520, MONDO:0012933, OMIM 612555. Disease mechanism: loss of function.

Submissions (3):

Evidence-based Network for the Interpretation of Germline Mutant Alleles (ENIGMA)
Classification: Pathogenic for Breast-ovarian cancer, familial, susceptibility to, 2. Last evaluated: 2016-10-18. Review status: reviewed by expert panel. Criteria: ENIGMA BRCA1/2 Classification Criteria (2015). Collection method: curation. Allele origin: germline.
Comment: Variant allele predicted to encode a truncated non-functional protein.

Labcorp Genetics (formerly Invitae), Labcorp
Classification: Pathogenic for Hereditary breast ovarian cancer syndrome. Last evaluated: 2025-01-06. Review status: criteria provided, single submitter. Criteria: Invitae Variant Classification Sherloc (09022015). Collection method: clinical testing. Allele origin: germline. Not counted in ClinVar's aggregate classification.
Comment: This sequence change creates a premature translational stop signal (p.Gln1089Hisfs*9) in the BRCA2 gene. It is expected to result in an absent or disrupted protein product. Loss-of-function variants in BRCA2 are known to be pathogenic (PMID: 20104584). This variant is not present in population databases (gnomAD no frequency). This premature translational stop signal has been observed in individual(s) with clinical features of hereditary breast and ovarian cancer (PMID: 22762150). ClinVar contains an entry for this variant (Variation ID: 51439). RNA analysis performed to evaluate the impact of this premature translational stop signal on mRNA splicing indicates it does not significantly alter splicing (internal data). For these reasons, this variant has been classified as Pathogenic.

Consortium of Investigators of Modifiers of BRCA1/2 (CIMBA), c/o University of Cambridge
Classification: Pathogenic for Breast-ovarian cancer, familial, susceptibility to, 2. Last evaluated: 2015-10-02. Review status: criteria provided, single submitter. Criteria: CIMBA Mutation Classification guidelines May 2016. Collection method: clinical testing. Allele origin: germline. Not counted in ClinVar's aggregate classification.

Literature cited by the submitters: PubMed 20104584 (cited by Labcorp Genetics (formerly Invitae), Labcorp); PubMed 22762150 (cited by Labcorp Genetics (formerly Invitae), Labcorp).

NM_000059.4(BRCA2):c.3267_3268del (p.Gln1089fs)

Gene: BRCA2 (BRCA2 DNA repair associated; plus strand). Cytogenetic location: 13q13.1.
Variant type: Deletion.
Coding change: c.3267_3268del on transcript NM_000059.4 (MANE Select); coding-DNA positions 3267 to 3268, 2 bases deleted (GA; older notation c.3267_3268delGA).
Protein change: p.Gln1089fs; shifts the reading frame from glutamine 1089.
Molecular consequence: frameshift variant.
Genome position (GRCh38, 1-based): chr13:32,337,622-32,337,623, GA deleted; deleting any 2 consecutive bases within chr13:32,337,621-32,337,623 gives the same sequence; the c. name uses the placement nearest the transcript's 3' end. VCF-style (leftmost placement, unchanged base first): chr13-32337620-CAG-C. GRCh37 (hg19) VCF-style: chr13-32911757-CAG-C.
Other names: 3495_3496delGA; c.3267_3268delGA (NM_000059.3).
Identifiers: ClinVar variation 51439 (VCV000051439.13), dbSNP rs397507661, ClinGen allele CA017674.